The following is an entry in ClinVar:

ClinVar aggregate classification (germline): Uncertain significance (1 of 4 stars; one submission).

Conditions:
Fanconi anemia (FA). Also called: Fanconi's anemia. Identifiers: Orphanet 84, MedGen C0015625, MeSH D005199, MONDO:0019391.

gnomAD v4.1: 2 of 1,614,126 alleles (0.00012%); no homozygotes.

Submission:

Labcorp Genetics (formerly Invitae), Labcorp
Classification: Uncertain significance for Fanconi anemia. Last evaluated: 2022-10-18. Review status: criteria provided, single submitter. Criteria: Invitae Variant Classification Sherloc (09022015). Collection method: clinical testing. Allele origin: germline.
Comment: This sequence change replaces lysine, which is basic and polar, with threonine, which is neutral and polar, at codon 548 of the FANCI protein (p.Lys548Thr). This variant is not present in population databases (gnomAD no frequency). This variant has not been reported in the literature in individuals affected with FANCI-related conditions. ClinVar contains an entry for this variant (Variation ID: 943694). Advanced modeling of protein sequence and biophysical properties (such as structural, functional, and spatial information, amino acid conservation, physicochemical variation, residue mobility, and thermodynamic stability) performed at Invitae indicates that this missense variant is expected to disrupt FANCI protein function. In summary, the available evidence is currently insufficient to determine the role of this variant in disease. Therefore, it has been classified as a Variant of Uncertain Significance.

NM_001113378.2(FANCI):c.1643A>C (p.Lys548Thr)

Gene: FANCI (FA complementation group I; plus strand). Cytogenetic location: 15q26.1.
Variant type: single nucleotide variant.
Coding change: c.1643A>C on transcript NM_001113378.2 (MANE Select); coding-DNA position 1643, A replaced by C.
Protein change: p.Lys548Thr; replaces lysine 548 with threonine.
Molecular consequence: missense variant.
Genome position (GRCh38, 1-based): chr15:89,283,195, A>C. VCF-style: chr15-89283195-A-C. GRCh37 (hg19) VCF-style: chr15-89826426-A-C.
Other names: c.1364A>C, p.Lys455Thr (NM_001376910.1); c.1643A>C, p.Lys548Thr (NM_001376911.1, NM_018193.3); short protein forms K548T, K455T.
Identifiers: ClinVar variation 943694 (VCV000943694.7), dbSNP rs2053681603, ClinGen allele CA393745046.